The following is an entry in ClinVar:

ClinVar aggregate classification (germline): Uncertain significance. Review status: criteria provided, multiple submitters, no conflicts (2 of 4 stars). 3 submissions from 3 submitters: Uncertain significance (3). Last evaluated 2026-03-23.

Conditions:
Hereditary cancer-predisposing syndrome. Also called: Tumor predisposition; Neoplastic Syndromes, Hereditary; Hereditary neoplastic syndrome; Hereditary Cancer Syndrome. Identifiers: Orphanet 140162, MedGen C0027672, MeSH D009386, MONDO:0015356.
Multiple endocrine neoplasia, type 1 (MEN1). Also called: MEN I; WERMER SYNDROME; MEA I; Endocrine adenomatosis multiple; MEN 1. Identifiers: Orphanet 652, MedGen C0025267, MeSH D018761, MONDO:0007540, OMIM 131100.

Submissions (3):

Ambry Genetics
Classification: Uncertain significance for Hereditary cancer-predisposing syndrome. Last evaluated: 2026-03-23. Review status: criteria provided, single submitter. Criteria: Ambry Variant Classification Scheme 2023. Collection method: clinical testing. Allele origin: germline.
Comment: The p.W126R variant (also known as c.376T>C), located in coding exon 1 of the MEN1 gene, results from a T to C substitution at nucleotide position 376. The tryptophan at codon 126 is replaced by arginine, an amino acid with dissimilar properties. This amino acid position is highly conserved in available vertebrate species. In addition, this alteration is predicted to be deleterious by in silico analysis. Based on the available evidence, the clinical significance of this variant remains unclear.

GeneDx
Classification: Uncertain significance. Last evaluated: 2025-04-09. Review status: criteria provided, single submitter. Criteria: GeneDx Variant Classification Process June 2021. Collection method: clinical testing. Allele origin: germline. Affected: yes.
Comment: Not observed at significant frequency in large population cohorts (gnomAD); In silico analysis supports that this missense variant has a deleterious effect on protein structure/function; Has not been previously published as pathogenic or benign to our knowledge

Labcorp Genetics (formerly Invitae), Labcorp
Classification: Uncertain significance for Multiple endocrine neoplasia, type 1. Last evaluated: 2023-12-01. Review status: criteria provided, single submitter. Criteria: Invitae Variant Classification Sherloc (09022015). Collection method: clinical testing. Allele origin: germline.
Comment: This sequence change replaces tryptophan, which is neutral and slightly polar, with arginine, which is basic and polar, at codon 126 of the MEN1 protein (p.Trp126Arg). This variant is not present in population databases (gnomAD no frequency). This variant has not been reported in the literature in individuals affected with MEN1-related conditions. ClinVar contains an entry for this variant (Variation ID: 824185). Advanced modeling of protein sequence and biophysical properties (such as structural, functional, and spatial information, amino acid conservation, physicochemical variation, residue mobility, and thermodynamic stability) performed at Invitae indicates that this missense variant is expected to disrupt MEN1 protein function with a positive predictive value of 95%. In summary, the available evidence is currently insufficient to determine the role of this variant in disease. Therefore, it has been classified as a Variant of Uncertain Significance.

NM_001370259.2(MEN1):c.376T>C (p.Trp126Arg)

Gene: MEN1 (menin 1; minus strand). Cytogenetic location: 11q13.1.
Variant type: single nucleotide variant.
Coding change: c.376T>C on transcript NM_001370259.2 (MANE Select); coding-DNA position 376, T replaced by C.
Protein change: p.Trp126Arg; replaces tryptophan 126 with arginine.
Molecular consequence: missense variant.
Genome position (GRCh38, 1-based): chr11:64,809,734, A>G on the plus strand (T>C on the coding strand, the complement: MEN1 is on the minus strand). VCF-style: chr11-64809734-A-G. GRCh37 (hg19) VCF-style: chr11-64577206-A-G.
Other names: c.376T>C, p.Trp126Arg (NM_000244.4, NM_001370251.2, NM_001370260.2 and 9 more transcripts); short protein forms W126R.
Identifiers: ClinVar variation 824185 (VCV000824185.11), dbSNP rs1592657993, ClinGen allele CA381187297.